The following is an entry in ClinVar:

ClinVar aggregate classification (germline): Conflicting classifications of pathogenicity. Review status: criteria provided, conflicting classifications (1 of 4 stars). 8 submissions from 8 submitters: Uncertain significance (7); Likely benign (1). Last evaluated 2024-09-13.

Conditions:
Cardiovascular phenotype. Identifiers: MedGen CN230736.
Dilated cardiomyopathy 1G (CMD1G). Identifiers: Orphanet 154, MedGen C1858763, MONDO:0011400, OMIM 604145.
Autosomal recessive limb-girdle muscular dystrophy type 2J (LGMDR10). Also called: MUSCULAR DYSTROPHY, LIMB-GIRDLE, AUTOSOMAL RECESSIVE 10; Limb-girdle muscular dystrophy, type 2J. Identifiers: Orphanet 140922, MedGen C1837342, MONDO:0012127, OMIM 608807.

Allele frequency attached by ClinVar (database versions not stated): TOPMed 0.00007; gnomAD 0.00016; 1000 Genomes Project 30x 0.00031; ExAC 0.00007; gnomAD exomes 0.00006 and 0.00016; 1000 Genomes Project 0.00040.
gnomAD v4.1: 243 of 1,613,766 alleles (0.015%); highest among the groups gnomAD compares: Non-Finnish European, 0.02%; no homozygotes.

Submissions (8):

Revvity Omics, Revvity
Classification: Uncertain significance. Last evaluated: 2024-09-13. Review status: criteria provided, single submitter. Criteria: ACMG Guidelines, 2015. Collection method: clinical testing. Allele origin: germline.

Women's Health and Genetics/Laboratory Corporation of America, LabCorp
Classification: Uncertain significance. Last evaluated: 2022-02-28. Review status: criteria provided, single submitter. Criteria: LabCorp Variant Classification Summary - May 2015. Collection method: clinical testing. Allele origin: germline.
Comment: Variant summary: TTN c.89351G>A (p.Arg29784His) results in a non-conservative amino acid change located in the A-band region of the encoded protein sequence. Four of five in-silico tools predict a damaging effect of the variant on protein function. The variant allele was found at a frequency of 6.4e-05 in 248138 control chromosomes (gnomAD). This frequency is not higher than expected for a pathogenic variant in TTN causing Dilated Cardiomyopathy (6.4e-05 vs 0.00039), allowing no conclusion about variant significance. c.89351G>A has been reported in the literature in individuals affected with autistic spectrum disorder and hypertrophic cardiomyopathy (Iossifov_2014, Mademont-Soler_2017, Turner_2019). These reports do not provide unequivocal conclusions about association of the variant with Dilated Cardiomyopathy. A co-occurrence with a pathogenic variant has been reported (MYBPC3 c.1624G>C, p.E542Q; Internal testing), providing supporting evidence for a benign role. To our knowledge, no experimental evidence demonstrating an impact on protein function has been reported. One ClinVar submitter (evaluation after 2014) cites the variant as likely benign and four ClinVar submitters (evaluation after 2014) cite it as uncertain significance. Based on the evidence outlined above, the variant was classified as uncertain significance.

GeneDx
Classification: Likely benign. Last evaluated: 2021-04-08. Review status: criteria provided, single submitter. Criteria: GeneDx Variant Classification Process June 2021. Collection method: clinical testing. Allele origin: germline. Affected: yes.
Comment: This variant is associated with the following publications: (PMID: 25363768, 27956632)

Ambry Genetics
Classification: Uncertain significance for Cardiovascular phenotype. Last evaluated: 2018-06-01. Review status: criteria provided, single submitter. Criteria: Ambry Variant Classification Scheme 2023. Collection method: clinical testing. Allele origin: germline.
Comment: The p.R23287H variant (also known as c.69860G>A), located in coding exon 175 of the TTN gene, results from a G to A substitution at nucleotide position 69860. The arginine at codon 23287 is replaced by histidine, an amino acid with highly similar properties. This amino acid position is highly conserved in available vertebrate species. In addition, this alteration is predicted to be tolerated by in silico analysis. Since supporting evidence is limited at this time, the clinical significance of this alteration remains unclear.

ARUP Laboratories, Molecular Genetics and Genomics, ARUP Laboratories
Classification: Uncertain significance. Last evaluated: 2018-05-14. Review status: criteria provided, single submitter. Criteria: ARUP Molecular Germline Variant Investigation Process. Collection method: clinical testing. Allele origin: germline.
Comment: The TTN: c.89351G>A; p.Arg29784His,variant is rare in the general population (<1% allele frequency in the Genome Aggregation Database) and have not been reported in the medical literature in association with dilated cardiomyopathy (DCM) or other TTN-related disease. The clinical relevance of rare missense variants in this gene, which are identified on average once per individual sequenced in affected populations (Herman 2012), is not well understood. While the clinical significance of such variants is considered uncertain, evidence suggests that the vast majority of missense variants do not contribute to the clinical outcome of DCM (Begay 2015). Given the available evidence, the clinical significance of the p.Arg13618Leu and p.Ala7671Gly variants cannot be determined with certainty.

Eurofins Ntd Llc (ga)
Classification: Uncertain significance. Last evaluated: 2018-02-12. Review status: criteria provided, single submitter. Criteria: EGL ClinVar v180209 classification definitions. Collection method: clinical testing. Allele origin: germline. Observed: 3 variant alleles, 3 heterozygotes.

Labcorp Genetics (formerly Invitae), Labcorp
Classification: Uncertain significance for Dilated cardiomyopathy 1G; Autosomal recessive limb-girdle muscular dystrophy type 2J. Last evaluated: 2016-12-12. Review status: criteria provided, single submitter. Criteria: Invitae Variant Classification Sherloc (09022015). Collection method: clinical testing. Allele origin: germline.

Athena Diagnostics
Classification: Uncertain significance. Last evaluated: 2016-11-11. Review status: criteria provided, single submitter. Criteria: Athena Diagnostics Criteria. Collection method: clinical testing. Allele origin: germline.

Literature cited by the submitters: PubMed 28771489 (cited by Women's Health and Genetics/Laboratory Corporation of America, LabCorp); PubMed 25363768 (cited by Women's Health and Genetics/Laboratory Corporation of America, LabCorp); PubMed 31785789 (cited by Women's Health and Genetics/Laboratory Corporation of America, LabCorp).

NM_001267550.2(TTN):c.97055G>A (p.Arg32352His)

Genes: TTN (titin; minus strand), TTN-AS1 (TTN antisense RNA 1; plus strand). Cytogenetic location: 2q31.2.
Variant type: single nucleotide variant.
Coding change: c.97055G>A on transcript NM_001267550.2 (MANE Select); coding-DNA position 97055, G replaced by A.
Protein change: p.Arg32352His; replaces arginine 32352 with histidine.
Molecular consequence: missense variant.
Genome position (GRCh38, 1-based): chr2:178,542,799, C>T on the plus strand (G>A on the coding strand, the complement: TTN is on the minus strand). VCF-style: chr2-178542799-C-T. GRCh37 (hg19) VCF-style: chr2-179407526-C-T.
Other names: c.69860G>A, p.Arg23287His (NM_003319.4); c.89351G>A, p.Arg29784His (NM_133378.4); c.70235G>A, p.Arg23412His (NM_133432.3); c.70436G>A, p.Arg23479His (NM_133437.4); c.92132G>A, p.Arg30711His (NM_001256850.1); short protein forms R32352H, R23287H, R23479H, R23412H, R30711H.
Identifiers: ClinVar variation 167759 (VCV000167759.22), dbSNP rs575939045, ClinGen allele CA235039.